The following is an entry in ClinVar:

NM_005068.3(SIM1):c.440A>T (p.His147Leu)

Gene: SIM1 (SIM bHLH transcription factor 1; minus strand). Cytogenetic location: 6q16.3.
Variant type: single nucleotide variant.
Coding change: c.440A>T on transcript NM_005068.3 (MANE Select); coding-DNA position 440, A replaced by T.
Protein change: p.His147Leu; replaces histidine 147 with leucine.
Molecular consequence: missense variant.
Genome position (GRCh38, 1-based): chr6:100,449,608, T>A on the plus strand (A>T on the coding strand, the complement: SIM1 is on the minus strand). VCF-style: chr6-100449608-T-A. GRCh37 (hg19) VCF-style: chr6-100897484-T-A.
Other names: c.440A>T, p.His147Leu (NM_001374769.1); short protein forms H147L.
Identifiers: ClinVar variation 1518717 (VCV001518717.6), dbSNP rs2114542453, ClinGen allele CA365126469.

ClinVar aggregate classification (germline): Uncertain significance (1 of 4 stars; one submission).

Submission:

Labcorp Genetics (formerly Invitae), Labcorp
Classification: Uncertain significance. Last evaluated: 2024-02-23. Review status: criteria provided, single submitter. Criteria: Invitae Variant Classification Sherloc (09022015). Collection method: clinical testing. Allele origin: germline.
Comment: This sequence change replaces histidine, which is basic and polar, with leucine, which is neutral and non-polar, at codon 147 of the SIM1 protein (p.His147Leu). This variant is not present in population databases (gnomAD no frequency). This variant has not been reported in the literature in individuals affected with SIM1-related conditions. ClinVar contains an entry for this variant (Variation ID: 1518717). An algorithm developed to predict the effect of missense changes on protein structure and function (PolyPhen-2) suggests that this variant is likely to be disruptive. In summary, the available evidence is currently insufficient to determine the role of this variant in disease. Therefore, it has been classified as a Variant of Uncertain Significance.